The following is an entry in ClinVar:

ClinVar aggregate classification (germline): Uncertain significance (1 of 4 stars; one submission).

gnomAD v4.1: 1 of 1,614,042 alleles (0.000062%); highest among the groups gnomAD compares: Non-Finnish European, 0.000085%; no homozygotes.

Submission:

GeneDx
Classification: Uncertain significance. Last evaluated: 2026-03-19. Review status: criteria provided, single submitter. Criteria: GeneDx Variant Classification Process June 2021. Collection method: clinical testing. Allele origin: germline.
Comment: Not observed at significant frequency in large population cohorts (gnomAD); In silico analysis supports that this missense variant has a deleterious effect on protein structure/function; Has not been previously published as pathogenic or benign to our knowledge

NM_018489.3(ASH1L):c.289A>G (p.Lys97Glu)

Gene: ASH1L (ASH1 like histone lysine methyltransferase; minus strand). Cytogenetic location: 1q22.
Variant type: single nucleotide variant.
Coding change: c.289A>G on transcript NM_018489.3 (MANE Select); coding-DNA position 289, A replaced by G.
Protein change: p.Lys97Glu; replaces lysine 97 with glutamic acid.
Molecular consequence: missense variant.
Genome position (GRCh38, 1-based): chr1:155,521,231, T>C on the plus strand (A>G on the coding strand, the complement: ASH1L is on the minus strand). VCF-style: chr1-155521231-T-C. GRCh37 (hg19) VCF-style: chr1-155491022-T-C.
Other names: c.289A>G, p.Lys97Glu (NM_001366177.2); short protein forms K97E.
Identifiers: ClinVar variation 5009293 (VCV005009293.1).
Genomic context (GRCh38, chr1:155,521,231, plus strand): 5'-TAATAGTTGTTTTTATGGCAGGTCGACATACATAGTTCTCCAAGTTCTTTGGAGGTTTTT[T>C]AGTTCTCTTAGCCTGGAGGCCAATTTTCAATTTTAAATTTCCCTCTGAAAAGTTTGTTTC-3'
Protein context (NP_060959.2, residues 87-107): LKIGLQAKRT[Lys97Glu]KPPKNLENYV